The following is an entry in ClinVar:

NM_001040108.2(MLH3):c.735C>G (p.Tyr245Ter)

Gene: MLH3 (mutL homolog 3; minus strand). Cytogenetic location: 14q24.3.
Variant type: single nucleotide variant.
Coding change: c.735C>G on transcript NM_001040108.2 (MANE Select); coding-DNA position 735, C replaced by G.
Protein change: p.Tyr245Ter; replaces tyrosine 245 with a stop codon.
Molecular consequence: nonsense.
Genome position (GRCh38, 1-based): chr14:75,048,921, G>C on the plus strand (C>G on the coding strand, the complement: MLH3 is on the minus strand). VCF-style: chr14-75048921-G-C. GRCh37 (hg19) VCF-style: chr14-75515624-G-C.
Other names: c.735C>G, p.Tyr245Ter (NM_014381.3); short protein forms Y245*.
Identifiers: ClinVar variation 4055502 (VCV004055502.2).

ClinVar aggregate classification (germline): Pathogenic (1 of 4 stars; one submission).

gnomAD v4.1: 4 of 1,613,344 alleles (0.00025%); highest among the groups gnomAD compares: Non-Finnish European, 0.00034%; no homozygotes.

Submission:

Ambry Genetics
Classification: Pathogenic. Last evaluated: 2026-06-03. Review status: criteria provided, single submitter. Criteria: Ambry Variant Classification Scheme 2023. Collection method: clinical testing. Allele origin: germline.
Comment: The p.Y245* pathogenic mutation (also known as c.735C>G), located in coding exon 1 of the MLH3 gene, results from a C to G substitution at nucleotide position 735. This changes the amino acid from a tyrosine to a stop codon within coding exon 1. This variant is considered to be rare based on population cohorts in the Genome Aggregation Database (gnomAD). This alteration is expected to result in loss of function by premature protein truncation or nonsense-mediated mRNA decay. As such, this alteration is interpreted as a disease-causing mutation.